The following is an entry in ClinVar:

NM_006904.7(PRKDC):c.12279A>C (p.Glu4093Asp)

Gene: PRKDC (protein kinase, DNA-activated, catalytic subunit; minus strand). Cytogenetic location: 8q11.21.
Variant type: single nucleotide variant.
Coding change: c.12279A>C on transcript NM_006904.7 (MANE Select); coding-DNA position 12279, A replaced by C.
Protein change: p.Glu4093Asp; replaces glutamic acid 4093 with aspartic acid.
Molecular consequence: missense variant.
Genome position (GRCh38, 1-based): chr8:47,774,281, T>G on the plus strand (A>C on the coding strand, the complement: PRKDC is on the minus strand). VCF-style: chr8-47774281-T-G. GRCh37 (hg19) VCF-style: chr8-48686842-T-G.
Other names: c.12186A>C, p.Glu4062Asp (NM_001081640.2); short protein forms E4062D, E4093D.
Identifiers: ClinVar variation 1492425 (VCV001492425.6), dbSNP rs2154497173, ClinGen allele CA371126679.

ClinVar aggregate classification (germline): Uncertain significance (1 of 4 stars; one submission).

Conditions:
Severe combined immunodeficiency due to DNA-PKcs deficiency. Also called: IMMUNODEFICIENCY 26 WITH NEUROLOGIC ABNORMALITIES; Immunodeficiency 26 with or without neurologic abnormalities. Identifiers: Orphanet 317425, MedGen C4014833, MONDO:0014423, OMIM 615966.

Submission:

Labcorp Genetics (formerly Invitae), Labcorp
Classification: Uncertain significance for Severe combined immunodeficiency due to DNA-PKcs deficiency. Last evaluated: 2021-06-10. Review status: criteria provided, single submitter. Criteria: Invitae Variant Classification Sherloc (09022015). Collection method: clinical testing. Allele origin: germline.
Comment: In summary, the available evidence is currently insufficient to determine the role of this variant in disease. Therefore, it has been classified as a Variant of Uncertain Significance. Experimental studies and prediction algorithms are not available or were not evaluated, and the functional significance of this variant is currently unknown. This variant has not been reported in the literature in individuals with PRKDC-related conditions. This variant is not present in population databases (ExAC no frequency). This sequence change replaces glutamic acid with aspartic acid at codon 4093 of the PRKDC protein (p.Glu4093Asp). The glutamic acid residue is weakly conserved and there is a small physicochemical difference between glutamic acid and aspartic acid.